The following is an entry in ClinVar:

NM_144573.4(NEXN):c.1450C>T (p.Arg484Ter)

Gene: NEXN (nexilin F-actin binding protein; plus strand). Cytogenetic location: 1p31.1.
Variant type: single nucleotide variant.
Coding change: c.1450C>T on transcript NM_144573.4 (MANE Select); coding-DNA position 1450, C replaced by T.
Protein change: p.Arg484Ter; replaces arginine 484 with a stop codon.
Molecular consequence: nonsense.
Genome position (GRCh38, 1-based): chr1:77,936,021, C>T. VCF-style: chr1-77936021-C-T. GRCh37 (hg19) VCF-style: chr1-78401706-C-T.
Other names: c.1258C>T, p.Arg420Ter (NM_001172309.2); short protein forms R420*, R484*.
Identifiers: ClinVar variation 1690992 (VCV001690992.6), dbSNP rs767792289, ClinGen allele CA918879.

ClinVar aggregate classification (germline): Conflicting classifications of pathogenicity. Review status: criteria provided, conflicting classifications (1 of 4 stars). 3 submissions from 3 submitters: Pathogenic (1); Uncertain significance (2). Last evaluated 2026-01-15.

Conditions:
Hypertrophic cardiomyopathy 20. Identifiers: MedGen C3151267, MONDO:0013477, OMIM 613876.
Dilated cardiomyopathy 1CC (CMD1CC). Identifiers: Orphanet 154, MedGen C2751084, MONDO:0013147, OMIM 613122.

gnomAD v4.1: 6 of 1,612,946 alleles (0.00037%); highest among the groups gnomAD compares: Non-Finnish European, 0.00051%; no homozygotes.

Submissions (3):

Labcorp Genetics (formerly Invitae), Labcorp
Classification: Pathogenic for Dilated cardiomyopathy 1CC; Hypertrophic cardiomyopathy 20. Last evaluated: 2026-01-15. Review status: criteria provided, single submitter. Criteria: Invitae Variant Classification Sherloc (09022015). Collection method: clinical testing. Allele origin: germline.
Comment: This sequence change creates a premature translational stop signal (p.Arg484*) in the NEXN gene. It is expected to result in an absent or disrupted protein product. Loss-of-function variants in NEXN are known to be pathogenic (PMID: 19881492, 32058062, 32814711, 32870709, 33949776, 38059363, 40680702). The frequency data for this variant in the population databases is considered unreliable, as metrics indicate poor data quality at this position in the gnomAD database. This variant has not been reported in the literature in individuals affected with NEXN-related conditions. ClinVar contains an entry for this variant (Variation ID: 1690992). For these reasons, this variant has been classified as Pathogenic.

Fulgent Genetics
Classification: Uncertain significance for Dilated cardiomyopathy 1CC; Hypertrophic cardiomyopathy 20. Last evaluated: 2021-09-23. Review status: criteria provided, single submitter. Criteria: ACMG Guidelines, 2015. Collection method: clinical testing. Allele origin: unknown.

Laboratorio de Genetica e Diagnostico Molecular, Hospital Israelita Albert Einstein
Classification: Uncertain significance. Last evaluated: 2020-12-07. Review status: criteria provided, single submitter. Criteria: ACMG Guidelines, 2015. Collection method: clinical testing. Allele origin: germline. Affected: yes.
Comment: ACMG classification criteria: PM2

Literature cited by the submitters: PubMed 19881492 (cited by Labcorp Genetics (formerly Invitae), Labcorp); PubMed 32058062 (cited by Labcorp Genetics (formerly Invitae), Labcorp); PubMed 32814711 (cited by Labcorp Genetics (formerly Invitae), Labcorp); PubMed 32870709 (cited by Labcorp Genetics (formerly Invitae), Labcorp); PubMed 33949776 (cited by Labcorp Genetics (formerly Invitae), Labcorp); PubMed 38059363 (cited by Labcorp Genetics (formerly Invitae), Labcorp); PubMed 40680702 (cited by Labcorp Genetics (formerly Invitae), Labcorp).